The following is an entry in ClinVar:

NM_001369369.1(FOXN1):c.62del (p.Gly21fs)

Gene: FOXN1 (forkhead box N1; plus strand). Cytogenetic location: 17q11.2.
Variant type: Deletion.
Coding change: c.62del on transcript NM_001369369.1 (MANE Select); coding-DNA position 62, one base deleted (G; older notation c.62delG).
Protein change: p.Gly21fs; shifts the reading frame from glycine 21.
Molecular consequence: frameshift variant.
Genome position (GRCh38, 1-based): chr17:28,524,031, G deleted; the last of 3 consecutive G bases (chr17:28,524,029-28,524,031); deleting any one gives the same sequence. VCF-style (leftmost placement, unchanged base first): chr17-28524028-AG-A. GRCh37 (hg19) VCF-style: chr17-26851046-AG-A.
Other names: c.62del, p.Gly21fs (NM_003593.3); short protein forms G21fs.
Identifiers: ClinVar variation 2831369 (VCV002831369.3), dbSNP rs2508347728, ClinGen allele CA2739267259.

ClinVar aggregate classification (germline): Pathogenic (1 of 4 stars; one submission).

Conditions:
T-cell immunodeficiency, congenital alopecia, and nail dystrophy. Also called: Congenital alopecia and nail dystrophy associated with severe functional T-cell immunodeficiency; Pignata Guarino syndrome. Identifiers: Orphanet 169095, MedGen C1866426, MONDO:0011132, OMIM 601705.

Submission:

Labcorp Genetics (formerly Invitae), Labcorp
Classification: Pathogenic for T-cell immunodeficiency, congenital alopecia, and nail dystrophy. Last evaluated: 2023-01-29. Review status: criteria provided, single submitter. Criteria: Invitae Variant Classification Sherloc (09022015). Collection method: clinical testing. Allele origin: germline.
Comment: For these reasons, this variant has been classified as Pathogenic. This variant has not been reported in the literature in individuals affected with FOXN1-related conditions. This variant is not present in population databases (gnomAD no frequency). This sequence change creates a premature translational stop signal (p.Gly21Alafs*281) in the FOXN1 gene. It is expected to result in an absent or disrupted protein product. Loss-of-function variants in FOXN1 are known to be pathogenic (PMID: 10206641, 15180707, 31447097).

Literature cited by the submitters: PubMed 10206641; PubMed 15180707; PubMed 31447097.